The following is an entry in ClinVar:

NM_173660.5(DOK7):c.652+253G>A

Gene: DOK7 (docking protein 7; plus strand). Cytogenetic location: 4p16.3.
Variant type: single nucleotide variant.
Coding change: c.652+253G>A on transcript NM_173660.5 (MANE Select); 253 bases into the intron after coding-DNA position 652, G replaced by A.
Molecular consequence: intron variant.
Genome position (GRCh38, 1-based): chr4:3,485,911, G>A. VCF-style: chr4-3485911-G-A. GRCh37 (hg19) VCF-style: chr4-3487638-G-A.
Other names: c.652+253G>A (NM_001301071.2); c.220+253G>A (NM_001363811.2); c.641+253G>A (NM_001164673.2); c.-279+253G>A (NM_001256896.2).
Identifiers: ClinVar variation 668119 (VCV000668119.1), dbSNP rs62272672, ClinGen allele CA11823784.

ClinVar aggregate classification (germline): Benign (1 of 4 stars; one submission).

Allele frequency attached by ClinVar (database versions not stated): 1000 Genomes Project 0.08906; 1000 Genomes Project 30x 0.09322; TOPMed 0.13427.

Submission:

GeneDx
Classification: Benign. Last evaluated: 2018-06-19. Review status: criteria provided, single submitter. Criteria: GeneDx Variant Classification (06012015). Collection method: clinical testing. Allele origin: germline. Affected: yes.
Comment: This variant is considered likely benign or benign based on one or more of the following criteria: it is a conservative change, it occurs at a poorly conserved position in the protein, it is predicted to be benign by multiple in silico algorithms, and/or has population frequency not consistent with disease.